The following is an entry in ClinVar:

ClinVar aggregate classification (germline): Benign (1 of 4 stars; one submission).

gnomAD v4.1: 30 of 1,568,478 alleles (0.0019%); highest among the groups gnomAD compares: Middle Eastern, 0.067%; no homozygotes.

Submission:

Dasa
Classification: Benign. Last evaluated: 2025-12-18. Review status: criteria provided, single submitter. Criteria: DASA Assertion Criteria. Collection method: clinical testing. Allele origin: germline.
Comment: NM_000545.8(HNF1A):c.1502-79C>T is a splice-region variant predicted to affect normal RNA splicing. Based on the available data, this variant is classified as benign.

NM_000545.8(HNF1A):c.1502-79C>T

Gene: HNF1A (HNF1 homeobox A; plus strand). Cytogenetic location: 12q24.31.
Variant type: single nucleotide variant.
Coding change: c.1502-79C>T on transcript NM_000545.8 (MANE Select); 79 bases into the intron before coding-DNA position 1502, C replaced by T.
Molecular consequence: intron variant.
Genome position (GRCh38, 1-based): chr12:120,999,189, C>T. VCF-style: chr12-120999189-C-T. GRCh37 (hg19) VCF-style: chr12-121436992-C-T.
Other names: c.1502-79C>T (NM_001306179.2); c.1310-79C>T (NM_001406915.1).
Identifiers: ClinVar variation 4851845 (VCV004851845.1).